The following is an entry in ClinVar:

NM_001134407.3(GRIN2A):c.2427C>A (p.Ser809Arg)

Gene: GRIN2A (glutamate ionotropic receptor NMDA type subunit 2A; minus strand). Cytogenetic location: 16p13.2.
Variant type: single nucleotide variant.
Coding change: c.2427C>A on transcript NM_001134407.3 (MANE Select); coding-DNA position 2427, C replaced by A.
Protein change: p.Ser809Arg; replaces serine 809 with arginine.
Molecular consequence: missense variant.
Genome position (GRCh38, 1-based): chr16:9,769,019, G>T on the plus strand (C>A on the coding strand, the complement: GRIN2A is on the minus strand). VCF-style: chr16-9769019-G-T. GRCh37 (hg19) VCF-style: chr16-9862876-G-T.
Other names: c.2427C>A, p.Ser809Arg (NM_000833.5, NM_001134408.2); short protein forms S809R.
Identifiers: ClinVar variation 422235 (VCV000422235.3), dbSNP rs1064795647, ClinGen allele CA16620323.

ClinVar aggregate classification (germline): Likely pathogenic. Review status: criteria provided, multiple submitters, no conflicts (2 of 4 stars). 2 submissions from 2 submitters: Likely pathogenic (2). Last evaluated 2019-01-01.

Conditions:
Landau-Kleffner syndrome (FESD). Also called: EPILEPSY, FOCAL, WITH SPEECH DISORDER AND WITH OR WITHOUT MENTAL RETARDATION; APHASIA, ACQUIRED, WITH EPILEPSY. Identifiers: Orphanet 1945, Orphanet 725, Orphanet 98818, MedGen C0282512, MONDO:0009509, OMIM 245570.

Submissions (2):

Institute of Human Genetics, University of Leipzig Medical Center
Classification: Likely pathogenic for Landau-Kleffner syndrome. Last evaluated: 2019-01-01. Review status: criteria provided, single submitter. Criteria: ACMG Guidelines, 2015. Collection method: research. Allele origin: de novo. Affected: yes.

GeneDx
Classification: Likely pathogenic. Last evaluated: 2016-09-20. Review status: criteria provided, single submitter. Criteria: GeneDx Variant Classification (06012015). Collection method: clinical testing. Allele origin: germline. Affected: yes.
Comment: The S809R variant in the GRIN2A gene has not been reported previously as a pathogenic variant, nor as a benign variant, to our knowledge. The S809R variant was not observed in approximately 6,500 individuals of European and African American ancestry in the NHLBI Exome Sequencing Project, indicating it is not a common benign variant in these populations. The S809R variant is a semi-conservative amino acid substitution, which may impact secondary protein structure as these residues differ in some properties. This substitution occurs at a position that is conserved across species. In silico analysis predicts this variant is probably damaging to the protein structure/function. Therefore, we interpret S809R as a likely pathogenic variant.

Literature cited by the submitters: PubMed 30544257 (cited by Institute of Human Genetics, University of Leipzig Medical Center).